The following is an entry in ClinVar:

ClinVar aggregate classification (germline): Conflicting classifications of pathogenicity. Review status: criteria provided, conflicting classifications (1 of 4 stars). 2 submissions from 2 submitters: Uncertain significance (1); Likely benign (1). Last evaluated 2025-12-22.

Conditions:
Gorlin syndrome. Also called: Nevoid Basal Cell Carcinoma Syndrome; Basal cell nevus syndrome. Identifiers: Orphanet 377, MedGen C0004779, MONDO:0007187.
Hereditary cancer-predisposing syndrome. Also called: Hereditary neoplastic syndrome; Neoplastic Syndromes, Hereditary; Tumor predisposition; Hereditary Cancer Syndrome. Identifiers: Orphanet 140162, MedGen C0027672, MeSH D009386, MONDO:0015356.

Submissions (2):

Labcorp Genetics (formerly Invitae), Labcorp
Classification: Uncertain significance for Gorlin syndrome. Last evaluated: 2025-12-22. Review status: criteria provided, single submitter. Criteria: Invitae Variant Classification Sherloc (09022015). Collection method: clinical testing. Allele origin: germline.
Comment: This variant, c.3860_3907del, results in the deletion of 16 amino acid(s) of the PTCH1 protein (p.His1287_Pro1302del), but otherwise preserves the integrity of the reading frame. This variant is not present in population databases (gnomAD no frequency). This variant has not been reported in the literature in individuals affected with PTCH1-related conditions. ClinVar contains an entry for this variant (Variation ID: 409164). Experimental studies and prediction algorithms are not available or were not evaluated, and the functional significance of this variant is currently unknown. In summary, the available evidence is currently insufficient to determine the role of this variant in disease. Therefore, it has been classified as a Variant of Uncertain Significance.

Ambry Genetics
Classification: Likely benign for Hereditary cancer-predisposing syndrome. Last evaluated: 2025-07-08. Review status: criteria provided, single submitter. Criteria: Ambry Variant Classification Scheme 2023. Collection method: clinical testing. Allele origin: germline.

NM_000264.5(PTCH1):c.3860_3907del (p.His1287_Pro1302del)

Gene: PTCH1 (patched 1; minus strand). Cytogenetic location: 9q22.32.
Variant type: Deletion.
Coding change: c.3860_3907del on transcript NM_000264.5 (MANE Select); coding-DNA positions 3860 to 3907, 48 bases deleted.
Protein change: p.His1287_Pro1302del.
Molecular consequence: inframe deletion. On other transcripts: non-coding transcript variant (1).
Genome position (GRCh38, 1-based): chr9:95,447,349-95,447,396, 48 bases deleted; deleting any 48 consecutive bases within chr9:95,447,349-95,447,406 gives the same sequence; the c. name uses the placement nearest the transcript's 3' end. GRCh37 (hg19): chr9:98,209,641-98,209,688.
Other names: c.3860_3907delACCTGGACTCAGGGTCCCTGCCTCCCGGACGGCAAGGCCAGCAGCCCC (NM_000264.3); c.3860_3907del (NM_000264.3); c.3662_3709del, p.His1221_Pro1236del (NM_001083602.3); c.3857_3904del, p.His1286_Pro1301del (NM_001083603.3); c.3407_3454del, p.His1136_Pro1151del (NM_001083604.3, NM_001083605.3, NM_001083606.3 and 1 more transcripts); c.3704_3751del, p.His1235_Pro1250del (NM_001354918.2).
Identifiers: ClinVar variation 409164 (VCV000409164.15), dbSNP rs1064792957, ClinGen allele CA16612903.